The following is an entry in ClinVar:

ClinVar aggregate classification (germline): Uncertain significance. Review status: criteria provided, multiple submitters, no conflicts (2 of 4 stars). 3 submissions from 3 submitters: Uncertain significance (3). Last evaluated 2026-01-12.

Conditions:
Inborn genetic diseases. Identifiers: MedGen C0950123, MeSH D030342.
Progressive encephalopathy with leukodystrophy due to DECR deficiency. Identifiers: Orphanet 431361, MedGen C1857252, MONDO:0014464, OMIM 616034.

Allele frequency attached by ClinVar (database versions not stated): TOPMed 0.00003; ESP Exome Variant Server 0.00008; gnomAD 0.00009 and 0.00011; 1000 Genomes Project 30x 0.00016.
gnomAD v4.1: 63 of 1,609,044 alleles (0.0039%); highest among the groups gnomAD compares: East Asian, 0.0089%; no homozygotes.

Submissions (3):

Labcorp Genetics (formerly Invitae), Labcorp
Classification: Uncertain significance for Progressive encephalopathy with leukodystrophy due to DECR deficiency. Last evaluated: 2026-01-12. Review status: criteria provided, single submitter. Criteria: Invitae Variant Classification Sherloc (09022015). Collection method: clinical testing. Allele origin: germline.
Comment: This sequence change replaces proline, which is neutral and non-polar, with leucine, which is neutral and non-polar, at codon 368 of the NADK2 protein (p.Pro368Leu). This variant is present in population databases (rs368195000, gnomAD 0.01%). This variant has not been reported in the literature in individuals affected with NADK2-related conditions. ClinVar contains an entry for this variant (Variation ID: 1375190). Invitae Evidence Modeling of protein sequence and biophysical properties (such as structural, functional, and spatial information, amino acid conservation, physicochemical variation, residue mobility, and thermodynamic stability) indicates that this missense variant is expected to disrupt NADK2 protein function with a positive predictive value of 80%. In summary, the available evidence is currently insufficient to determine the role of this variant in disease. Therefore, it has been classified as a Variant of Uncertain Significance.

Ambry Genetics
Classification: Uncertain significance for Inborn genetic diseases. Last evaluated: 2024-08-12. Review status: criteria provided, single submitter. Criteria: Ambry Variant Classification Scheme 2023. Collection method: clinical testing. Allele origin: germline.

GeneDx
Classification: Uncertain significance. Last evaluated: 2022-06-30. Review status: criteria provided, single submitter. Criteria: GeneDx Variant Classification Process June 2021. Collection method: clinical testing. Allele origin: germline. Affected: yes.
Comment: In silico analysis supports that this missense variant has a deleterious effect on protein structure/function; Has not been previously published as pathogenic or benign to our knowledge

NM_001085411.3(NADK2):c.1103C>T (p.Pro368Leu)

Gene: NADK2 (NAD kinase 2, mitochondrial; minus strand). Cytogenetic location: 5p13.2.
Variant type: single nucleotide variant.
Coding change: c.1103C>T on transcript NM_001085411.3 (MANE Select); coding-DNA position 1103, C replaced by T.
Protein change: p.Pro368Leu; replaces proline 368 with leucine.
Molecular consequence: missense variant.
Genome position (GRCh38, 1-based): chr5:36,197,628, G>A on the plus strand (C>T on the coding strand, the complement: NADK2 is on the minus strand). VCF-style: chr5-36197628-G-A. GRCh37 (hg19) VCF-style: chr5-36197730-G-A.
Other names: c.1103C>T (NM_001085411.1); c.614C>T, p.Pro205Leu (NM_001287340.2, NM_153013.5); c.680C>T, p.Pro227Leu (NM_001287341.2); short protein forms P227L, P368L, P205L.
Identifiers: ClinVar variation 1375190 (VCV001375190.8), dbSNP rs368195000, ClinGen allele CA3234506.